The following is an entry in ClinVar:

NM_000257.4(MYH7):c.1632C>T (p.Thr544=)

Gene: MYH7 (myosin heavy chain 7; minus strand). Cytogenetic location: 14q11.2.
Variant type: single nucleotide variant.
Coding change: c.1632C>T on transcript NM_000257.4 (MANE Select); coding-DNA position 1632, C replaced by T.
Protein change: p.Thr544=; no amino-acid change (threonine 544 retained).
Molecular consequence: synonymous variant.
Genome position (GRCh38, 1-based): chr14:23,427,841, G>A on the plus strand (C>T on the coding strand, the complement: MYH7 is on the minus strand). VCF-style: chr14-23427841-G-A. GRCh37 (hg19) VCF-style: chr14-23897050-G-A.
Other names: p.T544T:ACC>ACT; c.1632C>T (LRG_384t1).
Identifiers: ClinVar variation 138395 (VCV000138395.21), dbSNP rs587781089, ClinGen allele CA011100.

ClinVar aggregate classification (germline): Benign/Likely benign. Review status: criteria provided, multiple submitters, no conflicts (2 of 4 stars). 6 submissions from 6 submitters: Benign (1); Likely benign (5). Last evaluated 2026-01-11.

Conditions:
Cardiovascular phenotype. Identifiers: MedGen CN230736.
Cardiomyopathy (CMYO). Also called: Cardiomyopathies. Identifiers: Orphanet 167848, MedGen C0878544, MONDO:0004994, HP:0001638. Inheritance: Various modes of inheritance.
Hypertrophic cardiomyopathy. Also called: HYPERTROPHIC MYOCARDIOPATHY. Identifiers: Orphanet 217569, MedGen C0007194, MeSH D002312, MONDO:0005045, HP:0001639.

Allele frequency attached by ClinVar (database versions not stated): gnomAD 0.00003; TOPMed 0.00003.
gnomAD v4.1: 44 of 1,614,060 alleles (0.0027%); highest among the groups gnomAD compares: Non-Finnish European, 0.0032%; no homozygotes.

Submissions (6):

Labcorp Genetics (formerly Invitae), Labcorp
Classification: Likely benign for Hypertrophic cardiomyopathy. Last evaluated: 2026-01-11. Review status: criteria provided, single submitter. Criteria: Invitae Variant Classification Sherloc (09022015). Collection method: clinical testing. Allele origin: germline.

All of Us Research Program, National Institutes of Health
Classification: Likely benign for Cardiomyopathy. Last evaluated: 2024-08-30. Review status: criteria provided, single submitter. Criteria: ACMG Guidelines, 2015. Collection method: clinical testing. Allele origin: germline. Inheritance: Autosomal dominant inheritance. Observed: 6 variant alleles, 6 heterozygotes.
Comment: This study involves interpretation of variants in research participants for the purpose of population health screening. Participant phenotype was not available at the time of variant classification. Additional details can be found in publication PMID: 35346344, PMCID: PMC8962531

Blueprint Genetics
Classification: Likely benign. Last evaluated: 2022-05-03. Review status: criteria provided, single submitter. Criteria: ACMG Guidelines, 2015. Collection method: clinical testing. Allele origin: germline.

Color Diagnostics, LLC DBA Color Health
Classification: Likely benign for Cardiomyopathy. Last evaluated: 2019-08-02. Review status: criteria provided, single submitter. Criteria: ACMG Guidelines, 2015. Collection method: clinical testing. Allele origin: germline.

Ambry Genetics
Classification: Likely benign for Cardiovascular phenotype. Last evaluated: 2016-07-28. Review status: criteria provided, single submitter. Criteria: Ambry Variant Classification Scheme 2023. Collection method: clinical testing. Allele origin: germline.

GeneDx
Classification: Benign. Last evaluated: 2014-03-13. Review status: criteria provided, single submitter. Criteria: GeneDx Variant Classification (06012015). Collection method: clinical testing. Allele origin: germline. Affected: yes.
Comment: This variant is considered likely benign or benign based on one or more of the following criteria: it is a conservative change, it occurs at a poorly conserved position in the protein, it is predicted to be benign by multiple in silico algorithms, and/or has population frequency not consistent with disease.